The following is an entry in ClinVar:

NM_024675.4(PALB2):c.1282G>T (p.Val428Phe)

Gene: PALB2 (partner and localizer of BRCA2; minus strand). Cytogenetic location: 16p12.2.
Variant type: single nucleotide variant.
Coding change: c.1282G>T on transcript NM_024675.4 (MANE Select); coding-DNA position 1282, G replaced by T.
Protein change: p.Val428Phe; replaces valine 428 with phenylalanine.
Molecular consequence: missense variant.
Genome position (GRCh38, 1-based): chr16:23,635,264, C>A on the plus strand (G>T on the coding strand, the complement: PALB2 is on the minus strand). VCF-style: chr16-23635264-C-A. GRCh37 (hg19) VCF-style: chr16-23646585-C-A.
Other names: short protein forms V428F.
Identifiers: ClinVar variation 853329 (VCV000853329.11), dbSNP rs1966979857, ClinGen allele CA395132567.

ClinVar aggregate classification (germline): Uncertain significance (1 of 4 stars; one submission).

Conditions:
Familial cancer of breast. Also called: Hereditary breast cancer; hereditary breast carcinoma; BREAST CANCER, FAMILIAL. Identifiers: Orphanet 227535, MedGen C0346153, MONDO:0016419, OMIM 114480. Disease mechanism: loss of function.

Submission:

Labcorp Genetics (formerly Invitae), Labcorp
Classification: Uncertain significance for Familial cancer of breast. Last evaluated: 2019-12-20. Review status: criteria provided, single submitter. Criteria: Invitae Variant Classification Sherloc (09022015). Collection method: clinical testing. Allele origin: germline.
Comment: In summary, the available evidence is currently insufficient to determine the role of this variant in disease. Therefore, it has been classified as a Variant of Uncertain Significance. Algorithms developed to predict the effect of missense changes on protein structure and function are either unavailable or do not agree on the potential impact of this missense change (SIFT: "Deleterious"; PolyPhen-2: "Probably Damaging"; Align-GVGD: "Class C0"). This variant has not been reported in the literature in individuals with PALB2-related conditions. This variant is not present in population databases (ExAC no frequency). This sequence change replaces valine with phenylalanine at codon 428 of the PALB2 protein (p.Val428Phe). The valine residue is highly conserved and there is a small physicochemical difference between valine and phenylalanine.